The following is an entry in ClinVar:

ClinVar aggregate classification (germline): Benign (1 of 4 stars; one submission).

Allele frequency attached by ClinVar (database versions not stated): 1000 Genomes Project 30x 0.02623; 1000 Genomes Project 0.02656; gnomAD 0.04803 and 0.04930; TOPMed 0.04830.
gnomAD v4.1: 7,347 of 152,258 alleles (4.8%); highest among the groups gnomAD compares: Non-Finnish European, 7.6%; 241 homozygotes.

Submission:

GeneDx
Classification: Benign. Last evaluated: 2018-06-16. Review status: criteria provided, single submitter. Criteria: GeneDx Variant Classification (06012015). Collection method: clinical testing. Allele origin: germline. Affected: yes.
Comment: This variant is considered likely benign or benign based on one or more of the following criteria: it is a conservative change, it occurs at a poorly conserved position in the protein, it is predicted to be benign by multiple in silico algorithms, and/or has population frequency not consistent with disease.

NM_000426.4(LAMA2):c.2750-238A>G

Gene: LAMA2 (laminin subunit alpha 2; plus strand). Cytogenetic location: 6q22.33.
Variant type: single nucleotide variant.
Coding change: c.2750-238A>G on transcript NM_000426.4 (MANE Select); 238 bases into the intron before coding-DNA position 2750, A replaced by G.
Molecular consequence: intron variant.
Genome position (GRCh38, 1-based): chr6:129,291,376, A>G. VCF-style: chr6-129291376-A-G. GRCh37 (hg19) VCF-style: chr6-129612521-A-G.
Other names: c.2750-238A>G (NM_001079823.2).
Identifiers: ClinVar variation 682910 (VCV000682910.1), dbSNP rs17741401, ClinGen allele CA146895321.